The following is an entry in ClinVar:

ClinVar aggregate classification (germline): Uncertain significance (1 of 4 stars; one submission).

Submission:

Labcorp Genetics (formerly Invitae), Labcorp
Classification: Uncertain significance. Last evaluated: 2021-11-03. Review status: criteria provided, single submitter. Criteria: Invitae Variant Classification Sherloc (09022015). Collection method: clinical testing. Allele origin: germline.
Comment: In summary, the available evidence is currently insufficient to determine the role of this variant in disease. Therefore, it has been classified as a Variant of Uncertain Significance. Algorithms developed to predict the effect of missense changes on protein structure and function output the following: SIFT: "Tolerated"; PolyPhen-2: "Benign"; Align-GVGD: "Class C0". The glutamine amino acid residue is found in multiple mammalian species, which suggests that this missense change does not adversely affect protein function. This variant has not been reported in the literature in individuals affected with TTLL5-related conditions. This variant is not present in population databases (gnomAD no frequency). This sequence change replaces proline, which is neutral and non-polar, with glutamine, which is neutral and polar, at codon 574 of the TTLL5 protein (p.Pro574Gln).

NM_015072.5(TTLL5):c.1721C>A (p.Pro574Gln)

Gene: TTLL5 (tubulin tyrosine ligase like 5; plus strand). Cytogenetic location: 14q24.3.
Variant type: single nucleotide variant.
Coding change: c.1721C>A on transcript NM_015072.5 (MANE Select); coding-DNA position 1721, C replaced by A.
Protein change: p.Pro574Gln; replaces proline 574 with glutamine.
Molecular consequence: missense variant.
Genome position (GRCh38, 1-based): chr14:75,766,074, C>A. VCF-style: chr14-75766074-C-A. GRCh37 (hg19) VCF-style: chr14-76232417-C-A.
Other names: short protein forms P574Q.
Identifiers: ClinVar variation 1486462 (VCV001486462.6), dbSNP rs2140299148, ClinGen allele CA390466605.